The following is an entry in ClinVar:

ClinVar aggregate classification (germline): Pathogenic/Likely pathogenic. Review status: criteria provided, multiple submitters, no conflicts (2 of 4 stars). 2 submissions from 2 submitters: Pathogenic (1); Likely pathogenic (1). Last evaluated 2025-11-03.

Conditions:
Primary ciliary dyskinesia. Also called: Ciliary dyskinesia. Identifiers: Orphanet 244, MedGen C0008780, MONDO:0016575, HP:0012265.

Allele frequency attached by ClinVar (database versions not stated): gnomAD exomes below 0.00001.

Submissions (2):

Natera, Inc.
Classification: Likely pathogenic for Primary ciliary dyskinesia. Last evaluated: 2025-11-03. Review status: criteria provided, single submitter. Criteria: Natera Variant Classification Schema (03/2026). Collection method: clinical testing. Allele origin: germline.
Comment: The c.10196dupT variant in DNAH5 is a frameshift variant predicted to shift the reading frame beginning at codon 3400 and leads to a stop codon 54 codons downstream. This variant is expected to result in nonsense mediated decay, truncation, or a dysfunctional protein product. This variant is rare in the general population with a frequency below the threshold expected for the associated phenotype(s). Given the available evidence, this variant is classified as Likely Pathogenic.

Labcorp Genetics (formerly Invitae), Labcorp
Classification: Pathogenic for Primary ciliary dyskinesia. Last evaluated: 2024-06-24. Review status: criteria provided, single submitter. Criteria: Invitae Variant Classification Sherloc (09022015). Collection method: clinical testing. Allele origin: germline.
Comment: This sequence change creates a premature translational stop signal (p.Cys3400Metfs*54) in the DNAH5 gene. It is expected to result in an absent or disrupted protein product. Loss-of-function variants in DNAH5 are known to be pathogenic (PMID: 11788826, 16627867). This variant is not present in population databases (gnomAD no frequency). This premature translational stop signal has been observed in individual(s) with DNAH5-related conditions (PMID: 31638833). ClinVar contains an entry for this variant (Variation ID: 933653). For these reasons, this variant has been classified as Pathogenic.

Literature cited by the submitters: PubMed 11788826 (cited by Labcorp Genetics (formerly Invitae), Labcorp); PubMed 16627867 (cited by Labcorp Genetics (formerly Invitae), Labcorp); PubMed 31638833 (cited by Labcorp Genetics (formerly Invitae), Labcorp).

NM_001369.3(DNAH5):c.10196dup (p.Cys3400fs)

Gene: DNAH5 (dynein axonemal heavy chain 5; minus strand). Cytogenetic location: 5p15.2.
Variant type: Duplication.
Coding change: c.10196dup on transcript NM_001369.3 (MANE Select); coding-DNA position 10196, one base duplicated (T; older notation c.10196dupT).
Protein change: p.Cys3400fs; shifts the reading frame from cysteine 3400.
Molecular consequence: frameshift variant.
Genome position (GRCh38, 1-based): chr5:13,762,807, A duplicated on the plus strand (T on the coding strand, the reverse complement: DNAH5 is on the minus strand). VCF-style (leftmost placement, unchanged base first): chr5-13762806-T-TA. GRCh37 (hg19) VCF-style: chr5-13762915-T-TA.
Other names: c.10196dupT (NM_001369.2); short protein forms C3400fs.
Identifiers: ClinVar variation 933653 (VCV000933653.11), dbSNP rs1751967064, ClinGen allele CA1139658756.
Genomic context (GRCh38, chr5:13,762,806, plus strand): 5'-TATAGAAAAGAAGGAAGCCATAGCTTTCGTCCAGGAACAAAGACCAGCTACATTTCCACA[T>TA]ACGCGTTTAGCAGTTTCGATGTTATAGTCAGGCATTTCAAAGTAAGGACTCAAAAATTCT-3'